The following is an entry in ClinVar:

ClinVar aggregate classification (germline): Uncertain significance (1 of 4 stars; one submission).

Conditions:
Hereditary cancer-predisposing syndrome. Also called: Neoplastic Syndromes, Hereditary; Tumor predisposition; Hereditary Cancer Syndrome; Hereditary neoplastic syndrome. Identifiers: Orphanet 140162, MedGen C0027672, MeSH D009386, MONDO:0015356.

Submission:

Ambry Genetics
Classification: Uncertain significance for Hereditary cancer-predisposing syndrome. Last evaluated: 2022-01-04. Review status: criteria provided, single submitter. Criteria: Ambry Variant Classification Scheme 2023. Collection method: clinical testing. Allele origin: germline.
Comment: The p.V580G variant (also known as c.1739T>G), located in coding exon 13 of the PTCH1 gene, results from a T to G substitution at nucleotide position 1739. The valine at codon 580 is replaced by glycine, an amino acid with dissimilar properties. This amino acid position is conserved. In addition, this alteration is predicted to be deleterious by in silico analysis. Since supporting evidence is limited at this time, the clinical significance of this alteration remains unclear.

NM_000264.5(PTCH1):c.1739T>G (p.Val580Gly)

Genes: PTCH1 (patched 1; minus strand), LOC100507346 (uncharacterized LOC100507346; plus strand). Cytogenetic location: 9q22.32.
Variant type: single nucleotide variant.
Coding change: c.1739T>G on transcript NM_000264.5 (MANE Select); coding-DNA position 1739, T replaced by G.
Protein change: p.Val580Gly; replaces valine 580 with glycine.
Molecular consequence: missense variant. On other transcripts: non-coding transcript variant (2).
Genome position (GRCh38, 1-based): chr9:95,469,921, A>C on the plus strand (T>G on the coding strand, the complement: PTCH1 is on the minus strand). VCF-style: chr9-95469921-A-C. GRCh37 (hg19) VCF-style: chr9-98232203-A-C.
Other names: c.1583T>G, p.Val528Gly (NM_001354918.2); c.1541T>G, p.Val514Gly (NM_001083602.3); c.1736T>G, p.Val579Gly (NM_001083603.3); c.1286T>G, p.Val429Gly (NM_001083604.3, NM_001083605.3, NM_001083606.3 and 1 more transcripts); short protein forms V514G, V429G, V579G, V528G, V580G.
Identifiers: ClinVar variation 1779146 (VCV001779146.2), dbSNP rs2118098477, ClinGen allele CA374116459.
Genomic context (GRCh38, chr9:95,469,921, plus strand): 5'-AAATCCATGCTGAGAATTGCAGGAAAAATGAGCAGAACCATGGCAAAATTGAACACCACT[A>C]CTACCGCTGCCTGGGAGCAGAAAAAAAATTCAGAGGTCACCAACATGCCTCCGCCCAATC-3'
Protein context (NP_000255.2, residues 570-590): LRAFSLQAAV[Val580Gly]VVFNFAMVLL